The following is an entry in ClinVar:

NM_006208.3(ENPP1):c.105C>A (p.His35Gln)

Gene: ENPP1 (ectonucleotide pyrophosphatase/phosphodiesterase 1; plus strand). Cytogenetic location: 6q23.2.
Variant type: single nucleotide variant.
Coding change: c.105C>A on transcript NM_006208.3 (MANE Select); coding-DNA position 105, C replaced by A.
Protein change: p.His35Gln; replaces histidine 35 with glutamine.
Molecular consequence: missense variant.
Genome position (GRCh38, 1-based): chr6:131,808,140, C>A. VCF-style: chr6-131808140-C-A. GRCh37 (hg19) VCF-style: chr6-132129280-C-A.
Other names: short protein forms H35Q.
Identifiers: ClinVar variation 4780228 (VCV004780228.1).
Genomic context (GRCh38, chr6:131,808,140, plus strand): 5'-GGGCGGGCGCGCTCCCCGGGAGGGCCCGGCGGGGAACGGCCGCGATCGGGGCCGCAGCCA[C>A]GCTGCCGAGGCGCCCGGGGACCCGCAGGCGGCCGCGTCCTTGCTGGCCCCTATGGACGTG-3'
Protein context (NP_006199.2, residues 25-45): AGNGRDRGRS[His35Gln]AAEAPGDPQA

ClinVar aggregate classification (germline): Uncertain significance (1 of 4 stars; one submission).

gnomAD v4.1: 1 of 1,404,088 alleles (0.000071%); highest among the groups gnomAD compares: African/African-American, 0.0015%; no homozygotes.

Submission:

Labcorp Genetics (formerly Invitae), Labcorp
Classification: Uncertain significance. Last evaluated: 2025-03-01. Review status: criteria provided, single submitter. Criteria: Invitae Variant Classification Sherloc (09022015). Collection method: clinical testing. Allele origin: germline.
Comment: This sequence change replaces histidine, which is basic and polar, with glutamine, which is neutral and polar, at codon 35 of the ENPP1 protein (p.His35Gln). This variant is not present in population databases (gnomAD no frequency). This variant has not been reported in the literature in individuals affected with ENPP1-related conditions. An algorithm developed to predict the effect of missense changes on protein structure and function outputs the following: PolyPhen-2: "Benign". The glutamine amino acid residue is found in multiple mammalian species, which suggests that this missense change does not adversely affect protein function. In summary, the available evidence is currently insufficient to determine the role of this variant in disease. Therefore, it has been classified as a Variant of Uncertain Significance.